The following is an entry in ClinVar:

NM_153603.4(COG7):c.2T>C (p.Met1Thr)

Genes: COG7 (component of oligomeric golgi complex 7; minus strand), LOC130058658 (ATAC-STARR-seq lymphoblastoid active region 10580; plus strand). Cytogenetic location: 16p12.2.
Variant type: single nucleotide variant.
Coding change: c.2T>C on transcript NM_153603.4 (MANE Select); coding-DNA position 2, T replaced by C.
Protein change: p.Met1Thr; changes the start codon (methionine 1).
Molecular consequence: missense variant, initiator codon variant.
Genome position (GRCh38, 1-based): chr16:23,452,993, A>G on the plus strand (T>C on the coding strand, the complement: COG7 is on the minus strand). VCF-style: chr16-23452993-A-G. GRCh37 (hg19) VCF-style: chr16-23464314-A-G.
Other names: short protein forms M1T.
Identifiers: ClinVar variation 548709 (VCV000548709.3), dbSNP rs1555497604, ClinGen allele CA395118702.
Genomic context (GRCh38, chr16:23,452,993, plus strand): 5'-AAGGCCGCATTGATCCACTCCTTCACGTCGAAGTCGTCTGCCAGGAACTTGGAGAAGTCC[A>G]TGGCGGAACTGCCTCAGGCCTGGCGTCCAGAACTTAAGAGTTGGCTCCGGGCGGCAACGG-3'
Protein context (NP_705831.1, residues 1-11): [Met1Thr]DFSKFLADDF

ClinVar aggregate classification (germline): Likely pathogenic (1 of 4 stars; one submission).

Conditions:
COG7 congenital disorder of glycosylation (CDG2E). Also called: CDG IIe; CONGENITAL DISORDER OF GLYCOSYLATION, TYPE IIe. Identifiers: Orphanet 79333, MedGen C2931010, MONDO:0012118, OMIM 608779.

Submission:

Medical Genetics Lab, Policlinico S. Orsola.Malpighi
Classification: Likely pathogenic for COG7 congenital disorder of glycosylation. Last evaluated: 2018-06-29. Review status: criteria provided, single submitter. Criteria: ACMG Guidelines, 2015. Collection method: clinical testing. Allele origin: paternal. Inheritance: Autosomal recessive inheritance. Affected: yes. Observed: 1 variant allele, 1 compound heterozygote.
Comment: Null variant (start codon) affecting gene COG7, which is a known mechanism of disease (gene COG7 is autosomal recessive). Allele not found in Broad gnomAD exomes despite good coverage=63 (greater than 20).